The following is an entry in ClinVar:

ClinVar aggregate classification (germline): Uncertain significance (1 of 4 stars; one submission).

Submission:

Labcorp Genetics (formerly Invitae), Labcorp
Classification: Uncertain significance. Last evaluated: 2024-02-29. Review status: criteria provided, single submitter. Criteria: Invitae Variant Classification Sherloc (09022015). Collection method: clinical testing. Allele origin: germline.
Comment: This sequence change replaces glycine, which is neutral and non-polar, with serine, which is neutral and polar, at codon 228 of the SUCO protein (p.Gly228Ser). This variant is present in population databases (rs200727006, gnomAD 0.004%). This variant has not been reported in the literature in individuals affected with SUCO-related conditions. Algorithms developed to predict the effect of missense changes on protein structure and function output the following: SIFT: "Not Available"; PolyPhen-2: "Benign"; Align-GVGD: "Not Available". The serine amino acid residue is found in multiple mammalian species, which suggests that this missense change does not adversely affect protein function. In summary, the available evidence is currently insufficient to determine the role of this variant in disease. Therefore, it has been classified as a Variant of Uncertain Significance.

NM_014283.5(SUCO):c.682G>A (p.Gly228Ser)

Gene: SUCO (SUN domain containing ossification factor; plus strand). Cytogenetic location: 1q24.3.
Variant type: single nucleotide variant.
Coding change: c.682G>A on transcript NM_014283.5 (MANE Select); coding-DNA position 682, G replaced by A.
Protein change: p.Gly228Ser; replaces glycine 228 with serine.
Molecular consequence: missense variant. On other transcripts: 5 prime UTR variant (1).
Genome position (GRCh38, 1-based): chr1:172,557,744, G>A. VCF-style: chr1-172557744-G-A. GRCh37 (hg19) VCF-style: chr1-172526884-G-A.
Other names: c.571G>A, p.Gly191Ser (NM_001282750.2); c.-848G>A (NM_001282751.2); c.1156G>A, p.Gly386Ser (NM_016227.4); short protein forms G191S, G386S, G228S.
Identifiers: ClinVar variation 3710283 (VCV003710283.2).